The following is an entry in ClinVar:

ClinVar aggregate classification (germline): Uncertain significance (1 of 4 stars; one submission).

Conditions:
Inborn genetic diseases. Identifiers: MedGen C0950123, MeSH D030342.

gnomAD v4.1: 9 of 1,611,268 alleles (0.00056%); highest among the groups gnomAD compares: African/African-American, 0.011%; no homozygotes.

Submission:

Ambry Genetics
Classification: Uncertain significance for Inborn genetic diseases. Last evaluated: 2026-07-29. Review status: criteria provided, single submitter. Criteria: Ambry Variant Classification Scheme 2023. Collection method: clinical testing. Allele origin: germline.
Comment: The c.2263A>G (p.R755G) alteration is located in exon 13 (coding exon 13) of the ATXN2 gene. This alteration results from a A to G substitution at nucleotide position 2263, causing the arginine (R) at amino acid position 755 to be replaced by a glycine (G). Based on data from gnomAD, the G allele has an overall frequency of <0.001% (1/249122) total alleles studied. The highest observed frequency was 0.006% (1/16182) of African alleles. Based on insufficient or conflicting evidence, the clinical significance of this alteration remains unclear.

NM_001372574.1(ATXN2):c.1783A>G (p.Arg595Gly)

Gene: ATXN2 (ataxin 2; minus strand). Cytogenetic location: 12q24.12.
Variant type: single nucleotide variant.
Coding change: c.1783A>G on transcript NM_001372574.1 (MANE Select); coding-DNA position 1783, A replaced by G.
Protein change: p.Arg595Gly; replaces arginine 595 with glycine.
Molecular consequence: missense variant. On other transcripts: non-coding transcript variant (1).
Genome position (GRCh38, 1-based): chr12:111,509,972, T>C on the plus strand (A>G on the coding strand, the complement: ATXN2 is on the minus strand). VCF-style: chr12-111509972-T-C. GRCh37 (hg19) VCF-style: chr12-111947776-T-C.
Other names: c.1468A>G, p.Arg490Gly (NM_001310121.1); c.1396A>G, p.Arg466Gly (NM_001310123.1); c.1783A>G, p.Arg595Gly (NM_002973.4); short protein forms R466G, R595G, R490G.
Identifiers: ClinVar variation 5032490 (VCV005032490.1).